The following is an entry in ClinVar:

ClinVar aggregate classification (germline): Uncertain significance (1 of 4 stars; one submission).

Allele frequency attached by ClinVar (database versions not stated): gnomAD exomes below 0.00001.
gnomAD v4.1: 1 of 1,613,078 alleles (0.000062%); highest among the groups gnomAD compares: Non-Finnish European, 0.000085%; no homozygotes.

Submission:

Labcorp Genetics (formerly Invitae), Labcorp
Classification: Uncertain significance. Last evaluated: 2022-12-12. Review status: criteria provided, single submitter. Criteria: Invitae Variant Classification Sherloc (09022015). Collection method: clinical testing. Allele origin: germline.
Comment: This sequence change falls in intron 29 of the MYO18B gene. It does not directly change the encoded amino acid sequence of the MYO18B protein. It affects a nucleotide within the consensus splice site. This variant is not present in population databases (gnomAD no frequency). This variant has not been reported in the literature in individuals affected with MYO18B-related conditions. Variants that disrupt the consensus splice site are a relatively common cause of aberrant splicing (PMID: 17576681, 9536098). Algorithms developed to predict the effect of sequence changes on RNA splicing suggest that this variant may disrupt the consensus splice site. In summary, the available evidence is currently insufficient to determine the role of this variant in disease. Therefore, it has been classified as a Variant of Uncertain Significance.

Literature cited by the submitters: PubMed 17576681; PubMed 9536098.

NM_032608.7(MYO18B):c.4823+5G>A

Genes: MYO18B (myosin XVIIIB; plus strand), MYO18B-AS1 (MYO18B antisense RNA 1; minus strand). Cytogenetic location: 22q12.1.
Variant type: single nucleotide variant.
Coding change: c.4823+5G>A on transcript NM_032608.7 (MANE Select); 5 bases into the intron after coding-DNA position 4823, G replaced by A.
Molecular consequence: intron variant.
Genome position (GRCh38, 1-based): chr22:25,898,466, G>A. VCF-style: chr22-25898466-G-A. GRCh37 (hg19) VCF-style: chr22-26294433-G-A.
Other names: c.4826+5G>A (NM_001318245.2).
Identifiers: ClinVar variation 2820155 (VCV002820155.3), dbSNP rs2091859863, ClinGen allele CA2398945898.